The following is an entry in ClinVar:

NM_000742.4(CHRNA2):c.551G>T (p.Ser184Ile)

Gene: CHRNA2 (cholinergic receptor nicotinic alpha 2 subunit; minus strand). Cytogenetic location: 8p21.2.
Variant type: single nucleotide variant.
Coding change: c.551G>T on transcript NM_000742.4 (MANE Select); coding-DNA position 551, G replaced by T.
Protein change: p.Ser184Ile; replaces serine 184 with isoleucine.
Molecular consequence: missense variant. On other transcripts: intron variant (2).
Genome position (GRCh38, 1-based): chr8:27,463,892, C>A on the plus strand (G>T on the coding strand, the complement: CHRNA2 is on the minus strand). VCF-style: chr8-27463892-C-A. GRCh37 (hg19) VCF-style: chr8-27321409-C-A.
Other names: c.506G>T, p.Ser169Ile (NM_001282455.2); c.74G>T, p.Ser25Ile (NM_001347705.2, NM_001347706.2); c.-12-32G>T (NM_001347708.2); c.-9-35G>T (NM_001347707.2); short protein forms S169I, S25I, S184I.
Identifiers: ClinVar variation 2093166 (VCV002093166.4), dbSNP rs2490543057, ClinGen allele CA370811355.

ClinVar aggregate classification (germline): Uncertain significance (1 of 4 stars; one submission).

Conditions:
Familial sleep-related hypermotor epilepsy. Also called: Autosomal Dominant Sleep-Related Hypermotor (Hyperkinetic) Epilepsy. Identifiers: Orphanet 98784, MedGen C3696898, MONDO:0000030.

Submission:

Labcorp Genetics (formerly Invitae), Labcorp
Classification: Uncertain significance. Last evaluated: 2022-02-17. Review status: criteria provided, single submitter. Criteria: Invitae Variant Classification Sherloc (09022015). Collection method: clinical testing. Allele origin: germline.
Comment: Algorithms developed to predict the effect of sequence changes on RNA splicing suggest that this variant is not likely to affect RNA splicing. In summary, the available evidence is currently insufficient to determine the role of this variant in disease. Therefore, it has been classified as a Variant of Uncertain Significance. Advanced modeling of protein sequence and biophysical properties (such as structural, functional, and spatial information, amino acid conservation, physicochemical variation, residue mobility, and thermodynamic stability) performed at Invitae indicates that this missense variant is not expected to disrupt CHRNA2 protein function. This variant has not been reported in the literature in individuals affected with CHRNA2-related conditions. This variant is not present in population databases (gnomAD no frequency). This sequence change replaces serine, which is neutral and polar, with isoleucine, which is neutral and non-polar, at codon 184 of the CHRNA2 protein (p.Ser184Ile).